The following is an entry in ClinVar:

ClinVar aggregate classification (germline): Uncertain significance (1 of 4 stars; one submission).

gnomAD v4.1: 3 of 1,613,632 alleles (0.00019%); highest among the groups gnomAD compares: African/African-American, 0.004%; no homozygotes.

Submission:

Labcorp Genetics (formerly Invitae), Labcorp
Classification: Uncertain significance. Last evaluated: 2024-07-22. Review status: criteria provided, single submitter. Criteria: Invitae Variant Classification Sherloc (09022015). Collection method: clinical testing. Allele origin: germline.
Comment: This sequence change replaces aspartic acid, which is acidic and polar, with histidine, which is basic and polar, at codon 2701 of the DCHS1 protein (p.Asp2701His). This variant is present in population databases (rs558180114, gnomAD 0.007%). This variant has not been reported in the literature in individuals affected with DCHS1-related conditions. Advanced modeling of protein sequence and biophysical properties (such as structural, functional, and spatial information, amino acid conservation, physicochemical variation, residue mobility, and thermodynamic stability) has been performed at Invitae for this missense variant, however the output from this modeling did not meet the statistical confidence thresholds required to predict the impact of this variant on DCHS1 protein function. In summary, the available evidence is currently insufficient to determine the role of this variant in disease. Therefore, it has been classified as a Variant of Uncertain Significance.

NM_003737.4(DCHS1):c.8101G>C (p.Asp2701His)

Gene: DCHS1 (dachsous cadherin-related 1; minus strand). Cytogenetic location: 11p15.4.
Variant type: single nucleotide variant.
Coding change: c.8101G>C on transcript NM_003737.4 (MANE Select); coding-DNA position 8101, G replaced by C.
Protein change: p.Asp2701His; replaces aspartic acid 2701 with histidine.
Molecular consequence: missense variant.
Genome position (GRCh38, 1-based): chr11:6,623,575, C>G on the plus strand (G>C on the coding strand, the complement: DCHS1 is on the minus strand). VCF-style: chr11-6623575-C-G. GRCh37 (hg19) VCF-style: chr11-6644806-C-G.
Other names: short protein forms D2701H.
Identifiers: ClinVar variation 3715149 (VCV003715149.2).